The following is an entry in ClinVar:

ClinVar aggregate classification (germline): Uncertain significance (1 of 4 stars; one submission).

Submission:

Labcorp Genetics (formerly Invitae), Labcorp
Classification: Uncertain significance. Last evaluated: 2021-12-02. Review status: criteria provided, single submitter. Criteria: Invitae Variant Classification Sherloc (09022015). Collection method: clinical testing. Allele origin: germline.
Comment: This sequence change replaces alanine, which is neutral and non-polar, with proline, which is neutral and non-polar, at codon 63 of the COQ7 protein (p.Ala63Pro). This variant is not present in population databases (gnomAD no frequency). This variant has not been reported in the literature in individuals affected with COQ7-related conditions. Algorithms developed to predict the effect of missense changes on protein structure and function (SIFT, PolyPhen-2, Align-GVGD) all suggest that this variant is likely to be disruptive. In summary, the available evidence is currently insufficient to determine the role of this variant in disease. Therefore, it has been classified as a Variant of Uncertain Significance.

NM_016138.5(COQ7):c.187G>C (p.Ala63Pro)

Gene: COQ7 (coenzyme Q7, hydroxylase; plus strand). Cytogenetic location: 16p12.3.
Variant type: single nucleotide variant.
Coding change: c.187G>C on transcript NM_016138.5 (MANE Select); coding-DNA position 187, G replaced by C.
Protein change: p.Ala63Pro; replaces alanine 63 with proline.
Molecular consequence: missense variant. On other transcripts: non-coding transcript variant (3).
Genome position (GRCh38, 1-based): chr16:19,072,041, G>C. VCF-style: chr16-19072041-G-C. GRCh37 (hg19) VCF-style: chr16-19083363-G-C.
Other names: c.187G>C, p.Ala63Pro (NM_001370490.1); c.145G>C, p.Ala49Pro (NM_001370491.1, NM_001370489.1); c.73G>C, p.Ala25Pro (NM_001370492.1, NM_001370493.1, NM_001370494.1 and 2 more transcripts); short protein forms A25P, A63P, A49P.
Identifiers: ClinVar variation 1378917 (VCV001378917.6), dbSNP rs2142370955, ClinGen allele CA394919376.